The following is an entry in ClinVar:

ClinVar aggregate classification (germline): Benign. Review status: criteria provided, multiple submitters, no conflicts (2 of 4 stars). 2 submissions from 2 submitters: Benign (2). Last evaluated 2018-01-12.

Conditions:
Hypothyroidism, congenital, nongoitrous, 2 (CHNG2). Also called: Hypothyroidism, congenital, due to thyroid dysgenesis or hypoplasia. Identifiers: Orphanet 95712, MedGen C1869118, MONDO:0024264, OMIM 218700.

Allele frequency attached by ClinVar (database versions not stated): gnomAD 0.41441 and 0.42394; TOPMed 0.42727; 1000 Genomes Project 30x 0.45425; 1000 Genomes Project 0.45567; gnomAD exomes 0.50326.
gnomAD v4.1: 99,165 of 221,038 alleles (45%); highest among the groups gnomAD compares: East Asian, 63%; 23,786 homozygotes.

Submissions (2):

Illumina Laboratory Services, Illumina
Classification: Benign for Hypothyroidism, congenital, nongoitrous, 2. Last evaluated: 2018-01-12. Review status: criteria provided, single submitter. Criteria: ICSL Variant Classification Criteria 13 December 2019. Collection method: clinical testing. Allele origin: germline.
Comment: This variant was observed in the ICSL laboratory as part of a predisposition screen in an ostensibly healthy population. It had not been previously curated by ICSL or reported in the Human Gene Mutation Database (HGMD: prior to June 1st, 2018), and was therefore a candidate for classification through an automated scoring system. Utilizing variant allele frequency, disease prevalence and penetrance estimates, and inheritance mode, an automated score was calculated to assess if this variant is too frequent to cause the disease. Based on the score and internal cut-off values, a variant classified as benign is not then subjected to further curation. The score for this variant resulted in a classification of benign for this disease.

Breakthrough Genomics
Classification: Benign. Review status: criteria provided, single submitter. Criteria: ACMG Guidelines, 2015. Collection method: not provided. Allele origin: germline. Inheritance: Autosomal dominant inheritance. Affected: yes.

NM_003466.4(PAX8):c.*2478C>T

Gene: PAX8 (paired box 8; minus strand). Cytogenetic location: 2q14.1.
Variant type: single nucleotide variant.
Coding change: c.*2478C>T on transcript NM_003466.4 (MANE Select); 2478 bases downstream of the stop codon, C replaced by T.
Molecular consequence: 3 prime UTR variant.
Genome position (GRCh38, 1-based): chr2:113,216,055, G>A on the plus strand (C>T on the coding strand, the complement: PAX8 is on the minus strand). VCF-style: chr2-113216055-G-A. GRCh37 (hg19) VCF-style: chr2-113973632-G-A.
Other names: c.*2555C>T (NM_013952.4, NM_013953.4, NM_013992.4).
Identifiers: ClinVar variation 330853 (VCV000330853.6), dbSNP rs2019137, ClinGen allele CA10610635.